The following is an entry in ClinVar:

ClinVar aggregate classification (germline): Uncertain significance (0 of 4 stars; one submission).

Submission:

Genetic Services Laboratory, University of Chicago
Classification: Uncertain significance. Last evaluated: 2022-09-28. Review status: no assertion criteria provided. Collection method: clinical testing. Allele origin: germline. Affected: no.
Comment: DNA sequence analysis of the PTPRJ gene demonstrated a sequence change, c.1621A>T, in exon 9 that results in an amino acid change, p.Ser541Cys. This sequence change does not appear to have been previously described in individuals with PTPRJ-related disorders and has also not been described in population databases such as ExAC and gnomAD. The p.Ser541Cys change affects a moderately conserved amino acid residue located in a domain of the PTPRJ protein that is known to be functional. In-silico pathogenicity prediction tools (SIFT, PolyPhen2, Align GVGD, REVEL) provide contradictory results for the p.Ser541Cys substitution. Due to insufficient evidences and the lack of functional studies, the clinical significance of the p.Ser541Cys change remains unknown at this time.

NM_002843.4(PTPRJ):c.1621A>T (p.Ser541Cys)

Gene: PTPRJ (protein tyrosine phosphatase receptor type J; plus strand). Cytogenetic location: 11p11.2.
Variant type: single nucleotide variant.
Coding change: c.1621A>T on transcript NM_002843.4 (MANE Select); coding-DNA position 1621, A replaced by T.
Protein change: p.Ser541Cys; replaces serine 541 with cysteine.
Molecular consequence: missense variant.
Genome position (GRCh38, 1-based): chr11:48,136,044, A>T. VCF-style: chr11-48136044-A-T. GRCh37 (hg19) VCF-style: chr11-48157596-A-T.
Other names: short protein forms S541C.
Identifiers: ClinVar variation 2443229 (VCV002443229.2), dbSNP rs2495192093, ClinGen allele CA380376342.
Genomic context (GRCh38, chr11:48,136,044, plus strand): 5'-AGCTGGGCGTCATGATAGTAACAGTTTTCCCTTCTCCTTCCTTTCTTCTGAGCAGTTCCC[A>T]GTGCAGTGTTTGACATCCACGTGGTCTACGTCACCACCACGGAGATGTGGCTGGACTGGA-3'
Protein context (NP_002834.3, residues 531-551): SRTVCNRTVP[Ser541Cys]AVFDIHVVYV